The following is an entry in ClinVar:

ClinVar aggregate classification (germline): Uncertain significance (1 of 4 stars; one submission).

Conditions:
FGFR2-related craniosynostosis. Identifiers: MedGen CN231480.

Allele frequency attached by ClinVar (database versions not stated): gnomAD 0.00001; TOPMed 0.00001.
gnomAD v4.1: 11 of 1,614,042 alleles (0.00068%); highest among the groups gnomAD compares: Non-Finnish European, 0.00093%; no homozygotes.

Submission:

Labcorp Genetics (formerly Invitae), Labcorp
Classification: Uncertain significance for FGFR2-related craniosynostosis. Last evaluated: 2024-09-02. Review status: criteria provided, single submitter. Criteria: Invitae Variant Classification Sherloc (09022015). Collection method: clinical testing. Allele origin: germline.
Comment: This sequence change replaces proline, which is neutral and non-polar, with serine, which is neutral and polar, at codon 784 of the FGFR2 protein (p.Pro784Ser). This variant is present in population databases (no rsID available, gnomAD 0.002%). This variant has not been reported in the literature in individuals affected with FGFR2-related conditions. Invitae Evidence Modeling of protein sequence and biophysical properties (such as structural, functional, and spatial information, amino acid conservation, physicochemical variation, residue mobility, and thermodynamic stability) indicates that this missense variant is not expected to disrupt FGFR2 protein function with a negative predictive value of 80%. In summary, the available evidence is currently insufficient to determine the role of this variant in disease. Therefore, it has been classified as a Variant of Uncertain Significance.

NM_000141.5(FGFR2):c.2350C>T (p.Pro784Ser)

Gene: FGFR2 (fibroblast growth factor receptor 2; minus strand). Cytogenetic location: 10q26.13.
Variant type: single nucleotide variant.
Coding change: c.2350C>T on transcript NM_000141.5 (MANE Select); coding-DNA position 2350, C replaced by T.
Protein change: p.Pro784Ser; replaces proline 784 with serine.
Molecular consequence: missense variant. On other transcripts: non-coding transcript variant (1), intron variant (1).
Genome position (GRCh38, 1-based): chr10:121,479,973, G>A on the plus strand (C>T on the coding strand, the complement: FGFR2 is on the minus strand). VCF-style: chr10-121479973-G-A. GRCh37 (hg19) VCF-style: chr10-123239487-G-A.
Other names: c.2014C>T, p.Pro672Ser (NM_001144914.1); c.2005C>T, p.Pro669Ser (NM_001144916.2); c.2002C>T, p.Pro668Ser (NM_001144917.2); c.1999C>T, p.Pro667Ser (NM_001144918.2); c.1666C>T, p.Pro556Ser (NM_001320654.2); c.2344C>T, p.Pro782Ser (NM_001320658.2); c.2353C>T, p.Pro785Ser (NM_022970.4); c.2083C>T, p.Pro695Ser (NM_023029.3); and 1 more; short protein forms P667S, P782S, P784S, P556S, P669S, P668S, P695S, P672S.
Identifiers: ClinVar variation 2917167 (VCV002917167.3), dbSNP rs954917585, ClinGen allele CA214952520.